The following is an entry in ClinVar:

NM_001379081.2(FREM1):c.4820G>C (p.Gly1607Ala)

Gene: FREM1 (FRAS1 related extracellular matrix 1; minus strand). Cytogenetic location: 9p22.3.
Variant type: single nucleotide variant.
Coding change: c.4820G>C on transcript NM_001379081.2 (MANE Select); coding-DNA position 4820, G replaced by C.
Protein change: p.Gly1607Ala; replaces glycine 1607 with alanine.
Molecular consequence: missense variant. On other transcripts: non-coding transcript variant (2).
Genome position (GRCh38, 1-based): chr9:14,775,826, C>G on the plus strand (G>C on the coding strand, the complement: FREM1 is on the minus strand). VCF-style: chr9-14775826-C-G. GRCh37 (hg19) VCF-style: chr9-14775824-C-G.
Other names: c.428G>C, p.Gly143Ala (NM_001177704.3, NM_001370058.2, NM_001370061.2); c.4820G>C, p.Gly1607Ala (NM_144966.7); short protein forms G143A, G1607A.
Identifiers: ClinVar variation 2994033 (VCV002994033.2), dbSNP rs369791896, ClinGen allele CA4990059.

ClinVar aggregate classification (germline): Uncertain significance (1 of 4 stars; one submission).

gnomAD v4.1: 91 of 1,613,518 alleles (0.0056%); highest among the groups gnomAD compares: East Asian, 0.2%; no homozygotes.

Submission:

Labcorp Genetics (formerly Invitae), Labcorp
Classification: Uncertain significance. Last evaluated: 2022-12-20. Review status: criteria provided, single submitter. Criteria: Invitae Variant Classification Sherloc (09022015). Collection method: clinical testing. Allele origin: germline.
Comment: This sequence change replaces glycine, which is neutral and non-polar, with alanine, which is neutral and non-polar, at codon 1607 of the FREM1 protein (p.Gly1607Ala). This variant is present in population databases (rs369791896, gnomAD 0.05%). This variant has not been reported in the literature in individuals affected with FREM1-related conditions. Advanced modeling of protein sequence and biophysical properties (such as structural, functional, and spatial information, amino acid conservation, physicochemical variation, residue mobility, and thermodynamic stability) performed at Invitae indicates that this missense variant is expected to disrupt FREM1 protein function. In summary, the available evidence is currently insufficient to determine the role of this variant in disease. Therefore, it has been classified as a Variant of Uncertain Significance.